The following is an entry in ClinVar:

NM_152743.4(BRAT1):c.2027C>T (p.Ala676Val)

Gene: BRAT1 (BRCA1 associated ATM activator 1; minus strand). Cytogenetic location: 7p22.3.
Variant type: single nucleotide variant.
Coding change: c.2027C>T on transcript NM_152743.4 (MANE Select); coding-DNA position 2027, C replaced by T.
Protein change: p.Ala676Val; replaces alanine 676 with valine.
Molecular consequence: missense variant. On other transcripts: non-coding transcript variant (1).
Genome position (GRCh38, 1-based): chr7:2,538,508, G>A on the plus strand (C>T on the coding strand, the complement: BRAT1 is on the minus strand). VCF-style: chr7-2538508-G-A. GRCh37 (hg19) VCF-style: chr7-2578142-G-A.
Other names: c.2207C>T, p.Ala736Val (NM_001350626.2); c.1502C>T, p.Ala501Val (NM_001350627.2); short protein forms A501V, A736V, A676V.
Identifiers: ClinVar variation 948406 (VCV000948406.7), dbSNP rs865893083, ClinGen allele CA152664771.

ClinVar aggregate classification (germline): Uncertain significance (1 of 4 stars; one submission).

Conditions:
Neonatal-onset encephalopathy with rigidity and seizures. Also called: Lethal neonatal spasticity-epileptic encephalopathy syndrome. Identifiers: Orphanet 435845, MedGen C3281029, MONDO:0013784, OMIM 614498.

Allele frequency attached by ClinVar (database versions not stated): gnomAD exomes below 0.00001; gnomAD 0.00003 and 0.00004; TOPMed 0.00003.

Submission:

Labcorp Genetics (formerly Invitae), Labcorp
Classification: Uncertain significance for Neonatal-onset encephalopathy with rigidity and seizures. Last evaluated: 2022-08-07. Review status: criteria provided, single submitter. Criteria: Invitae Variant Classification Sherloc (09022015). Collection method: clinical testing. Allele origin: germline.
Comment: This sequence change replaces alanine, which is neutral and non-polar, with valine, which is neutral and non-polar, at codon 676 of the BRAT1 protein (p.Ala676Val). The frequency data for this variant in the population databases is considered unreliable, as metrics indicate poor data quality at this position in the gnomAD database. This variant has not been reported in the literature in individuals affected with BRAT1-related conditions. ClinVar contains an entry for this variant (Variation ID: 948406). Algorithms developed to predict the effect of missense changes on protein structure and function output the following: SIFT: "Tolerated"; PolyPhen-2: "Benign"; Align-GVGD: "Class C0". The valine amino acid residue is found in multiple mammalian species, which suggests that this missense change does not adversely affect protein function. In summary, the available evidence is currently insufficient to determine the role of this variant in disease. Therefore, it has been classified as a Variant of Uncertain Significance.